The following is an entry in ClinVar:

ClinVar aggregate classification (germline): Likely pathogenic (3 of 4 stars; one submission).

Conditions:
T-cell immunodeficiency, congenital alopecia, and nail dystrophy. Also called: Congenital alopecia and nail dystrophy associated with severe functional T-cell immunodeficiency; Pignata Guarino syndrome. Identifiers: Orphanet 169095, MedGen C1866426, MONDO:0011132, OMIM 601705.

Submission:

ClinGen Severe Combined Immunodeficiency Variant Curation Expert Panel, ClinGen
Classification: Likely pathogenic for T-cell immunodeficiency, congenital alopecia, and nail dystrophy. Last evaluated: 2024-07-29. Review status: reviewed by expert panel. Criteria: ClinGen SCID ACMG Specifications FOXN1 V1.0.0. Collection method: curation. Allele origin: germline. Inheritance: Semidominant inheritance.
Comment: The NM_001369369.1(FOXN1):c.1168del (p.Glu390LysfsTer?) frameshift variant in exon 8 results in a premature stop codon in the final exon (exon 9) at codon 550. It is not predicted to cause NMD but would truncate 16% of the protein, including most of the transactivation domain which is critical to protein function (PVS1_Strong). The variant is absent from gnomADv4.0 (PM2_Supporting). At least one heterozygous patient has been reported with nail dystrophy, low T cell count for age 1.0x10^9/L, and low TRECs (P8 from PMID: 31447097, PP4). The patient was also described to have recurrent severe infections. This patient's mother, P30 carried the same variant and was noted to have nail dystrophy. In summary this variant meets criteria to be classified as likely pathogenic for semidominant T-cell immunodeficiency, congenital alopecia, and nail dystrophy due to FOXN1 deficiency based on the ACMG/AMP criteria applied: PVS1_strong, PM2_supporting, and PP4, as specified by the ClinGen SCID VCEP FOXN1 subgroup.

NM_001369369.1(FOXN1):c.1168del (p.Glu390fs)

Gene: FOXN1 (forkhead box N1; plus strand). Cytogenetic location: 17q11.2.
Variant type: Deletion.
Coding change: c.1168del on transcript NM_001369369.1 (MANE Select); coding-DNA position 1168, one base deleted (G; older notation c.1168delG).
Protein change: p.Glu390fs; shifts the reading frame from glutamic acid 390.
Molecular consequence: frameshift variant.
Genome position (GRCh38, 1-based): chr17:28,534,739, G deleted. VCF-style (leftmost placement, unchanged base first): chr17-28534738-AG-A. GRCh37 (hg19) VCF-style: chr17-26861756-AG-A.
Other names: NM_003593.3:c.1168del; c.1168del, p.Glu390fs (NM_003593.3); short protein forms E390fs.
Identifiers: ClinVar variation 3367210 (VCV003367210.1).